The following is an entry in ClinVar:

NM_001142800.2(EYS):c.8412_8413insCA (p.Thr2805fs)

Genes: EYS (EGF-like photoreceptor maintenance factor; minus strand), PHF3 (PHD finger protein 3; plus strand). Cytogenetic location: 6q12.
Variant type: Insertion.
Coding change: c.8412_8413insCA on transcript NM_001142800.2 (MANE Select); coding-DNA positions 8412 to 8413, CA inserted.
Protein change: p.Thr2805fs; shifts the reading frame from threonine 2805.
Molecular consequence: frameshift variant. On other transcripts: 3 prime UTR variant (5).
Genome position: GRCh38 VCF-style: chr6-63721618-T-TTG. GRCh37 (hg19) VCF-style: chr6-64431514-T-TTG.
Other names: c.*7911_*7912insGT (NM_001290259.2, NM_001370348.2, NM_001370349.2 and 2 more transcripts); c.8475_8476insCA, p.Thr2826fs (NM_001292009.2); short protein forms T2805fs, T2826fs.
Identifiers: ClinVar variation 2675280 (VCV002675280.5), dbSNP rs2533392388, ClinGen allele CA2679279896.
Genomic context (GRCh38, chr6:63,721,618, plus strand): 5'-CTCCAATATAGAAGTCTGTATTTGTGTCCAGAGAACTCATTTTAGTGGAGGCCTTTTCTG[T>TTG]TACATTTATCCCATCTAGATCCAGGTAGCCTTCTGCACCAACTCTTCCTGCTTTTATTAT-3'

ClinVar aggregate classification (germline): Pathogenic/Likely pathogenic. Review status: criteria provided, multiple submitters, no conflicts (2 of 4 stars). 3 submissions from 3 submitters: Pathogenic (1); Likely pathogenic (2). Last evaluated 2023-05-19.

Conditions:
EYS-related disorder. Also called: EYS-related condition.
Retinitis pigmentosa 25 (RP25). Identifiers: Orphanet 791, MedGen C1864446, MONDO:0011272, OMIM 602772.

Submissions (3):

Labcorp Genetics (formerly Invitae), Labcorp
Classification: Pathogenic. Last evaluated: 2023-05-19. Review status: criteria provided, single submitter. Criteria: Invitae Variant Classification Sherloc (09022015). Collection method: clinical testing. Allele origin: germline.
Comment: This variant disrupts a region of the EYS protein in which other variant(s) (p.Tyr3135*) have been determined to be pathogenic (PMID: 18976725, 29159838, 30337596, 31074760). This suggests that this is a clinically significant region of the protein, and that variants that disrupt it are likely to be disease-causing. For these reasons, this variant has been classified as Pathogenic. This variant has not been reported in the literature in individuals affected with EYS-related conditions. This variant is not present in population databases (gnomAD no frequency). This sequence change creates a premature translational stop signal (p.Thr2805Glnfs*9) in the EYS gene. While this is not anticipated to result in nonsense mediated decay, it is expected to disrupt the last 340 amino acid(s) of the EYS protein.

Baylor Genetics
Classification: Likely pathogenic for Retinitis pigmentosa 25. Last evaluated: 2023-05-08. Review status: criteria provided, single submitter. Criteria: ACMG Guidelines, 2015. Collection method: clinical testing. Allele origin: unknown.

Blueprint Genetics
Classification: Likely pathogenic for EYS-related disorders. Last evaluated: 2022-08-30. Review status: criteria provided, single submitter. Criteria: ACMG Guidelines, 2015. Collection method: clinical testing. Allele origin: germline. Affected: yes. Observed: 1 variant allele.

Literature cited by the submitters: PubMed 18976725 (cited by Labcorp Genetics (formerly Invitae), Labcorp); PubMed 29159838 (cited by Labcorp Genetics (formerly Invitae), Labcorp); PubMed 30337596 (cited by Labcorp Genetics (formerly Invitae), Labcorp); PubMed 31074760 (cited by Labcorp Genetics (formerly Invitae), Labcorp).